The following is an entry in ClinVar:

NM_004168.4(SDHA):c.977T>A (p.Phe326Tyr)

Gene: SDHA (succinate dehydrogenase complex flavoprotein subunit A; plus strand). Cytogenetic location: 5p15.33.
Variant type: single nucleotide variant.
Coding change: c.977T>A on transcript NM_004168.4 (MANE Select); coding-DNA position 977, T replaced by A.
Protein change: p.Phe326Tyr; replaces phenylalanine 326 with tyrosine.
Molecular consequence: missense variant.
Genome position (GRCh38, 1-based): chr5:233,558, T>A. VCF-style: chr5-233558-T-A. GRCh37 (hg19) VCF-style: chr5-233673-T-A.
Other names: c.833T>A, p.Phe278Tyr (NM_001294332.2); c.977T>A, p.Phe326Tyr (NM_001330758.2); c.977T>A (NM_004168.2); short protein forms F326Y, F278Y.
Identifiers: ClinVar variation 951469 (VCV000951469.11), dbSNP rs1735554652, ClinGen allele CA359012756.

ClinVar aggregate classification (germline): Uncertain significance. Review status: criteria provided, multiple submitters, no conflicts (2 of 4 stars). 2 submissions from 2 submitters: Uncertain significance (2). Last evaluated 2025-09-30.

Conditions:
Mitochondrial complex II deficiency, nuclear type 1. Also called: SUCCINATE CoQ REDUCTASE DEFICIENCY. Identifiers: Orphanet 3208, MedGen C5700310, MONDO:0100294, OMIM 252011.
Pheochromocytoma/paraganglioma syndrome 5. Also called: Paragangliomas 5; SDHA-Related Hereditary Paraganglioma-Pheochromocytoma Syndrome. Identifiers: Orphanet 29072, MedGen C3279992, MONDO:0013602, OMIM 614165.
Hereditary cancer-predisposing syndrome. Also called: Hereditary Cancer Syndrome; Neoplastic Syndromes, Hereditary; Tumor predisposition; Hereditary neoplastic syndrome. Identifiers: Orphanet 140162, MedGen C0027672, MeSH D009386, MONDO:0015356.

gnomAD v4.1: 2 of 1,614,176 alleles (0.00012%); highest among the groups gnomAD compares: South Asian, 0.0022%; no homozygotes.

Submissions (2):

Labcorp Genetics (formerly Invitae), Labcorp
Classification: Uncertain significance for Pheochromocytoma/paraganglioma syndrome 5; Mitochondrial complex II deficiency, nuclear type 1. Last evaluated: 2025-09-30. Review status: criteria provided, single submitter. Criteria: Invitae Variant Classification Sherloc (09022015). Collection method: clinical testing. Allele origin: germline.
Comment: This sequence change replaces phenylalanine, which is neutral and non-polar, with tyrosine, which is neutral and polar, at codon 326 of the SDHA protein (p.Phe326Tyr). This variant is not present in population databases (gnomAD no frequency). This variant has not been reported in the literature in individuals affected with SDHA-related conditions. ClinVar contains an entry for this variant (Variation ID: 951469). Invitae Evidence Modeling of protein sequence and biophysical properties (such as structural, functional, and spatial information, amino acid conservation, physicochemical variation, residue mobility, and thermodynamic stability) indicates that this missense variant is not expected to disrupt SDHA protein function with a negative predictive value of 95%. In summary, the available evidence is currently insufficient to determine the role of this variant in disease. Therefore, it has been classified as a Variant of Uncertain Significance.

Ambry Genetics
Classification: Uncertain significance for Hereditary cancer-predisposing syndrome. Last evaluated: 2025-04-03. Review status: criteria provided, single submitter. Criteria: Ambry Variant Classification Scheme 2023. Collection method: clinical testing. Allele origin: germline.
Comment: The p.F326Y variant (also known as c.977T>A), located in coding exon 8 of the SDHA gene, results from a T to A substitution at nucleotide position 977. The phenylalanine at codon 326 is replaced by tyrosine, an amino acid with highly similar properties. This amino acid position is conserved. In addition, this alteration is predicted to be deleterious by in silico analysis. Based on the available evidence, the clinical significance of this variant remains unclear.